The following is an entry in ClinVar:

NM_001366385.1(CARD14):c.1156C>A (p.Arg386Ser)

Gene: CARD14 (caspase recruitment domain family member 14; plus strand). Cytogenetic location: 17q25.3.
Variant type: single nucleotide variant.
Coding change: c.1156C>A on transcript NM_001366385.1 (MANE Select); coding-DNA position 1156, C replaced by A.
Protein change: p.Arg386Ser; replaces arginine 386 with serine.
Molecular consequence: missense variant. On other transcripts: non-coding transcript variant (1).
Genome position (GRCh38, 1-based): chr17:80,191,389, C>A. VCF-style: chr17-80191389-C-A. GRCh37 (hg19) VCF-style: chr17-78165188-C-A.
Other names: c.1156C>A, p.Arg386Ser (NM_001257970.1, NM_024110.4); c.445C>A, p.Arg149Ser (NM_052819.3); short protein forms R386S, R149S.
Identifiers: ClinVar variation 2944854 (VCV002944854.3), dbSNP rs746925458, ClinGen allele CA401346125.

ClinVar aggregate classification (germline): Uncertain significance (1 of 4 stars; one submission).

Conditions:
Psoriasis 2. Identifiers: MedGen C1864497, MONDO:0011269, OMIM 602723.
Pityriasis rubra pilaris (PRP). Also called: Pityriasis rubra pilaris--familial type. Identifiers: Orphanet 2897, MedGen C0032027, MONDO:0100017, OMIM 173200, MONDO:0008251.

Submission:

Labcorp Genetics (formerly Invitae), Labcorp
Classification: Uncertain significance for Pityriasis rubra pilaris; Psoriasis 2. Last evaluated: 2023-03-01. Review status: criteria provided, single submitter. Criteria: Invitae Variant Classification Sherloc (09022015). Collection method: clinical testing. Allele origin: germline.
Comment: This sequence change replaces arginine, which is basic and polar, with serine, which is neutral and polar, at codon 386 of the CARD14 protein (p.Arg386Ser). This variant is not present in population databases (gnomAD no frequency). This variant has not been reported in the literature in individuals affected with CARD14-related conditions. Advanced modeling of protein sequence and biophysical properties (such as structural, functional, and spatial information, amino acid conservation, physicochemical variation, residue mobility, and thermodynamic stability) performed at Invitae indicates that this missense variant is expected to disrupt CARD14 protein function. In summary, the available evidence is currently insufficient to determine the role of this variant in disease. Therefore, it has been classified as a Variant of Uncertain Significance.